The following is an entry in ClinVar:

NM_017777.4(MKS1):c.94del (p.Arg32fs)

Gene: MKS1 (MKS transition zone complex subunit 1; minus strand). Cytogenetic location: 17q22.
Variant type: Deletion.
Coding change: c.94del on transcript NM_017777.4 (MANE Select); coding-DNA position 94, one base deleted (A; older notation c.94delA).
Protein change: p.Arg32fs; shifts the reading frame from arginine 32.
Molecular consequence: frameshift variant. On other transcripts: 5 prime UTR variant (1).
Genome position (GRCh38, 1-based): chr17:58,218,716, T deleted on the plus strand (A on the coding strand, the reverse complement: MKS1 is on the minus strand); the first of 3 consecutive T bases (chr17:58,218,716-58,218,718); deleting any one gives the same sequence. VCF-style (leftmost placement, unchanged base first): chr17-58218715-CT-C. GRCh37 (hg19) VCF-style: chr17-56296076-CT-C.
Other names: c.-418del (NM_001321268.2); c.94del, p.Arg32fs (NM_001321269.2, NM_001330397.2); short protein forms R32fs.
Identifiers: ClinVar variation 958052 (VCV000958052.8), dbSNP rs1969409341, ClinGen allele CA1139665730.

ClinVar aggregate classification (germline): Pathogenic (1 of 4 stars; one submission).

Conditions:
Meckel-Gruber syndrome. Also called: Dysencephalia splachnocystica; DYSENCEPHALIA SPLANCHNOCYSTICA; GRUBER SYNDROME. Identifiers: Orphanet 564, MedGen C0265215, MONDO:0018921.
Joubert syndrome. Also called: Familial aplasia of the vermis; CEREBELLOPARENCHYMAL DISORDER IV; JOUBERT-BOLTSHAUSER SYNDROME. Identifiers: Orphanet 475, MedGen C5979921, MONDO:0018772.

Submission:

Labcorp Genetics (formerly Invitae), Labcorp
Classification: Pathogenic for Joubert syndrome; Meckel-Gruber syndrome. Last evaluated: 2019-11-15. Review status: criteria provided, single submitter. Criteria: Invitae Variant Classification Sherloc (09022015). Collection method: clinical testing. Allele origin: germline.
Comment: For these reasons, this variant has been classified as Pathogenic. Loss-of-function variants in MKS1 are known to be pathogenic (PMID: 17397051). This variant has not been reported in the literature in individuals with MKS1-related conditions. This variant is not present in population databases (ExAC no frequency). This sequence change creates a premature translational stop signal (p.Arg32Glufs*21) in the MKS1 gene. It is expected to result in an absent or disrupted protein product.

Literature cited by the submitters: PubMed 17397051.